The following is an entry in ClinVar:

NM_002637.4(PHKA1):c.2965A>T (p.Ile989Phe)

Gene: PHKA1 (phosphorylase kinase regulatory subunit alpha 1; minus strand). Cytogenetic location: Xq13.1.
Variant type: single nucleotide variant.
Coding change: c.2965A>T on transcript NM_002637.4 (MANE Select); coding-DNA position 2965, A replaced by T.
Protein change: p.Ile989Phe; replaces isoleucine 989 with phenylalanine.
Molecular consequence: missense variant.
Genome position (GRCh38, 1-based): chrX:72,602,226, T>A on the plus strand (A>T on the coding strand, the complement: PHKA1 is on the minus strand). VCF-style: chrX-72602226-T-A. GRCh37 (hg19) VCF-style: chrX-71822076-T-A.
Other names: c.2965A>T, p.Ile989Phe (NM_001122670.2); c.2788A>T, p.Ile930Phe (NM_001172436.2); short protein forms I989F, I930F.
Identifiers: ClinVar variation 2065664 (VCV002065664.4), dbSNP rs782532390, ClinGen allele CA413587749.

ClinVar aggregate classification (germline): Uncertain significance (1 of 4 stars; one submission).

Conditions:
Glycogen storage disease IXd (GSD9D). Also called: Muscle Phosphorylase Kinase Deficiency; GSD IXd. Identifiers: Orphanet 715, MedGen C1845151, MONDO:0010362, OMIM 300559.

Submission:

Labcorp Genetics (formerly Invitae), Labcorp
Classification: Uncertain significance for Glycogen storage disease IXd. Last evaluated: 2025-05-19. Review status: criteria provided, single submitter. Criteria: Invitae Variant Classification Sherloc (09022015). Collection method: clinical testing. Allele origin: germline.
Comment: This sequence change replaces isoleucine, which is neutral and non-polar, with phenylalanine, which is neutral and non-polar, at codon 989 of the PHKA1 protein (p.Ile989Phe). This variant is not present in population databases (gnomAD no frequency). This variant has not been reported in the literature in individuals affected with PHKA1-related conditions. ClinVar contains an entry for this variant (Variation ID: 2065664). Invitae Evidence Modeling of protein sequence and biophysical properties (such as structural, functional, and spatial information, amino acid conservation, physicochemical variation, residue mobility, and thermodynamic stability) indicates that this missense variant is not expected to disrupt PHKA1 protein function with a negative predictive value of 80%. In summary, the available evidence is currently insufficient to determine the role of this variant in disease. Therefore, it has been classified as a Variant of Uncertain Significance.